The following is an entry in ClinVar:

NM_000277.3(PAH):c.828G>T (p.Met276Ile)

Gene: PAH (phenylalanine hydroxylase; minus strand). Cytogenetic location: 12q23.2.
Variant type: single nucleotide variant.
Coding change: c.828G>T on transcript NM_000277.3 (MANE Select); coding-DNA position 828, G replaced by T.
Protein change: p.Met276Ile; replaces methionine 276 with isoleucine.
Molecular consequence: missense variant.
Genome position (GRCh38, 1-based): chr12:102,852,829, C>A on the plus strand (G>T on the coding strand, the complement: PAH is on the minus strand). VCF-style: chr12-102852829-C-A. GRCh37 (hg19) VCF-style: chr12-103246607-C-A.
Other names: c.828G>T, p.Met276Ile (NM_001354304.2); short protein forms M276I.
Identifiers: ClinVar variation 102859 (VCV000102859.2), dbSNP rs62514954, ClinGen allele CA229799.

ClinVar aggregate classification (germline): Uncertain significance. Review status: reviewed by expert panel (3 of 4 stars). 2 submissions from 2 submitters: Uncertain significance (1). 1 of the submissions does not count toward it. Last evaluated 2021-01-17.

Conditions:
Phenylketonuria (PKU). Also called: Phenylketonuria (PKU); FOLLING DISEASE; OLIGOPHRENIA PHENYLPYRUVICA; Phenylketonurias. Identifiers: Orphanet 716, MedGen C0031485, MONDO:0009861, OMIM 261600. Disease mechanism: loss of function.

Submissions (2):

ClinGen PAH Variant Curation Expert Panel
Classification: Uncertain significance for Phenylketonuria. Last evaluated: 2021-01-17. Review status: reviewed by expert panel. Criteria: ClinGen PAH ACMG Specifications v1. Collection method: curation. Allele origin: germline. Inheritance: Autosomal recessive inheritance.
Comment: The c.828G>T (p.Met276Ile) variant in PAH has been reported detected in a control clone from a subject who did not have PKU (PMID: 8364546, 9634518) This variant is absent from gnomAD, 1000G, ESP, and PAGE. Computational evidence is conflicting (Disease causing in MutationTaster, tolerated in SIFT, benign in PolyPhen2). There are 3 other missense changes at this amino acid: M276R (interpretation not provided in ClinVar, ID 102858); M276K (Likely Pathogenic in ClinVar, ID 102857); M276V (Likely Pathogenic in ClinVar, ID 102856). A different codon change leading to the same amino acid change, c.828G>A, has been interpreted as a variant of uncertain significance in ClinVar (ID 551519). In summary, this variant meets criteria to be classified as uncertain significance for PAH. PAH-specific ACMG/AMP criteria applied: PM2.

DeBelle Laboratory for Biochemical Genetics, MUHC/MCH RESEARCH INSTITUTE
No classification provided. Review status: no classification provided. Collection method: not provided. Allele origin: not provided. Not counted in ClinVar's aggregate classification.